The following is an entry in ClinVar:

NM_015338.6(ASXL1):c.3692C>T (p.Ser1231Phe)

Gene: ASXL1 (ASXL transcriptional regulator 1; plus strand). Cytogenetic location: 20q11.21.
Variant type: single nucleotide variant.
Coding change: c.3692C>T on transcript NM_015338.6 (MANE Select); coding-DNA position 3692, C replaced by T.
Protein change: p.Ser1231Phe; replaces serine 1231 with phenylalanine.
Molecular consequence: missense variant.
Genome position (GRCh38, 1-based): chr20:32,436,404, C>T. VCF-style: chr20-32436404-C-T. GRCh37 (hg19) VCF-style: chr20-31024207-C-T.
Other names: c.3509C>T, p.Ser1170Phe (NM_001363734.1); short protein forms S1231F, S1170F.
Identifiers: ClinVar variation 133586 (VCV000133586.16), dbSNP rs74638057, ClinGen allele CA157011.

ClinVar aggregate classification (germline): Benign. Review status: criteria provided, multiple submitters, no conflicts (2 of 4 stars). 6 submissions from 6 submitters: Benign (5). 1 of the submissions does not count toward it. Last evaluated 2026-02-03.

Conditions:
Bohring-Opitz syndrome. Also called: OPITZ TRIGONOCEPHALY-LIKE SYNDROME; ASXL1-Related Bohring-Opitz Syndrome; C-LIKE SYNDROME; BOHRING SYNDROME. Identifiers: Orphanet 97297, MedGen C0796232, MONDO:0011510, OMIM 605039.

Allele frequency attached by ClinVar (database versions not stated): gnomAD exomes 0.00555 and 0.02029; gnomAD 0.00841 and 0.00926; TOPMed 0.01512; ExAC 0.01548; 1000 Genomes Project 0.02316; ESP Exome Variant Server 0.00069; 1000 Genomes Project 30x 0.02327.
gnomAD v4.1: 9,492 of 1,613,826 alleles (0.59%); highest among the groups gnomAD compares: Admixed American, 11%; 489 homozygotes.

Submissions (6):

Labcorp Genetics (formerly Invitae), Labcorp
Classification: Benign. Last evaluated: 2026-02-03. Review status: criteria provided, single submitter. Criteria: Invitae Variant Classification Sherloc (09022015). Collection method: clinical testing. Allele origin: germline.

Genome-Nilou Lab
Classification: Benign for Bohring-Opitz syndrome. Last evaluated: 2021-12-05. Review status: criteria provided, single submitter. Criteria: ACMG Guidelines, 2015. Collection method: clinical testing. Allele origin: germline. Affected: no.

GeneDx
Classification: Benign. Last evaluated: 2018-08-17. Review status: criteria provided, single submitter. Criteria: GeneDx Variant Classification Process June 2021. Collection method: clinical testing. Allele origin: germline. Affected: yes.

Eurofins Ntd Llc (ga)
Classification: Benign. Last evaluated: 2015-10-06. Review status: criteria provided, single submitter. Criteria: EGL Classification Definitions 2015. Collection method: clinical testing. Allele origin: germline. Observed: 1 variant allele, 1 heterozygote.

Breakthrough Genomics
Classification: Benign. Review status: criteria provided, single submitter. Criteria: ACMG Guidelines, 2015. Collection method: not provided. Allele origin: germline. Inheritance: Autosomal dominant inheritance. Affected: yes.

ITMI
No classification provided. Condition: AllHighlyPenetrant. Last evaluated: 2013-09-19. Review status: no classification provided. Collection method: reference population. Allele origin: germline. Not counted in ClinVar's aggregate classification.
Comment: Please see associated publication for description of ethnicities

Literature cited by the submitters: PubMed 24728327 (cited by ITMI).